The following is an entry in ClinVar:

NM_000037.4(ANK1):c.5001_5002del (p.Glu1667_Asn1668insTer)

Gene: ANK1 (ankyrin 1; minus strand). Cytogenetic location: 8p11.21.
Variant type: Microsatellite.
Coding change: c.5001_5002del on transcript NM_000037.4 (MANE Select); coding-DNA positions 5001 to 5002, 2 bases deleted (GA; older notation c.5001_5002delGA).
Protein change: p.Glu1667_Asn1668insTer.
Molecular consequence: frameshift variant. On other transcripts: intron variant (1).
Genome position (GRCh38, 1-based): chr8:41,672,448-41,672,449, TC deleted on the plus strand (GA on the coding strand, the reverse complement: ANK1 is on the minus strand); deleting any 2 consecutive bases within chr8:41,672,448-41,672,452 gives the same sequence; the c. name uses the placement nearest the transcript's 3' end. VCF-style (leftmost placement, unchanged base first): chr8-41672447-TTC-T. GRCh37 (hg19) VCF-style: chr8-41529965-TTC-T.
Other names: c.5124_5125del, p.Glu1708_Asn1709insTer (NM_001142446.2); c.5001_5002del, p.Glu1667_Asn1668insTer (NM_020475.3, NM_020476.3); c.4538-23_4538-22del (NM_020477.3).
Identifiers: ClinVar variation 3766716 (VCV003766716.2).

ClinVar aggregate classification (germline): Pathogenic/Likely pathogenic. Review status: criteria provided, multiple submitters, no conflicts (2 of 4 stars). 2 submissions from 2 submitters: Pathogenic (1); Likely pathogenic (1). Last evaluated 2024-09-19.

Conditions:
Hereditary spherocytosis type 1. Also called: Spherocytosis type 1; ANK1-Related Spherocytosis. Identifiers: Orphanet 822, MedGen C2674218, MONDO:0008447, OMIM 182900.

Submissions (2):

Revvity Omics, Revvity
Classification: Likely pathogenic for Hereditary spherocytosis type 1. Last evaluated: 2024-09-19. Review status: criteria provided, single submitter. Criteria: ACMG Guidelines, 2015. Collection method: clinical testing. Allele origin: germline.

ARUP Laboratories, Molecular Genetics and Genomics, ARUP Laboratories
Classification: Pathogenic for Hereditary spherocytosis type 1. Last evaluated: 2024-07-12. Review status: criteria provided, single submitter. Criteria: ARUP Molecular Germline Variant Investigation Process 2024. Collection method: clinical testing. Allele origin: germline.
Comment: The ANK1 c.5001_5002del; p.Asn1668Ter variant, to our knowledge, is not reported in the medical literature or gene specific databases. This variant is also absent from the Genome Aggregation Database (v2.1.1), indicating it is not a common polymorphism. This variant induces an early termination codon by deleting two nucleotides, and is predicted to result in a truncated protein or mRNA subject to nonsense-mediated decay. Additionally, several downstream truncating variants have been described in individuals with spherocytosis and are considered pathogenic (Jarolim 1995, Wang 2023). Based on available information, this variant is considered to be pathogenic. References: Jarolim P et al. A nonsense mutation 1669Glu-->Ter within the regulatory domain of human erythroid ankyrin leads to a selective deficiency of the major ankyrin isoform (band 2.1) and a phenotype of autosomal dominant hereditary spherocytosis. J Clin Invest. 1995 Mar;95(3):941-7. PMID: 7883994. Wang WJ et al. Identification of variants in 94 Chinese patients with hereditary spherocytosis by next-generation sequencing. Clin Genet. 2023 Jan;103(1):67-78. PMID: 36203343.